The following is an entry in ClinVar:

NM_000038.6(APC):c.3283_3296dup (p.Pro1101fs)

Gene: APC (APC regulator of Wnt signaling pathway; plus strand). Cytogenetic location: 5q22.2.
Variant type: Duplication.
Coding change: c.3283_3296dup on transcript NM_000038.6 (MANE Select); coding-DNA positions 3283 to 3296, 14 bases duplicated (CAGCAGGAATGTGT).
Protein change: p.Pro1101fs; shifts the reading frame from proline 1101.
Molecular consequence: frameshift variant.
Genome position (GRCh38, 1-based): chr5:112,838,877-112,838,890, CAGCAGGAATGTGT duplicated. VCF-style (leftmost placement, unchanged base first): chr5-112838876-A-ACAGCAGGAATGTGT. GRCh37 (hg19) VCF-style: chr5-112174573-A-ACAGCAGGAATGTGT.
Other names: c.3283_3296dup, p.Pro1101fs (NM_001127510.3, NM_001354895.2); c.3229_3242dup, p.Pro1083fs (NM_001127511.3); c.3337_3350dup, p.Pro1119fs (NM_001354896.2); c.3313_3326dup, p.Pro1111fs (NM_001354897.2); c.3208_3221dup, p.Pro1076fs (NM_001354898.2); c.3199_3212dup, p.Pro1073fs (NM_001354899.2); c.3160_3173dup, p.Pro1060fs (NM_001354900.2); c.3106_3119dup, p.Pro1042fs (NM_001354901.2); and 16 more; short protein forms P1000fs, P1010fs, P1042fs, P1060fs, P1073fs, P1076fs, P1083fs, P1101fs.
Identifiers: ClinVar variation 1708978 (VCV001708978.2), dbSNP rs2533486302, ClinGen allele CA2580072934.

ClinVar aggregate classification (germline): Likely pathogenic (1 of 4 stars; one submission).

Conditions:
Familial adenomatous polyposis 1 (FAP1). Also called: FAMILIAL ADENOMATOUS POLYPOSIS 1, ATTENUATED; POLYPOSIS, ADENOMATOUS INTESTINAL. Identifiers: MedGen C2713442, MONDO:0021056, OMIM 175100. Disease mechanism: loss of function.

Submission:

MGZ Medical Genetics Center
Classification: Likely pathogenic for Familial adenomatous polyposis 1. Last evaluated: 2022-04-27. Review status: criteria provided, single submitter. Criteria: ACMG Guidelines, 2015. Collection method: clinical testing. Allele origin: germline. Affected: yes. Observed: 1 variant allele.
Comment: ACMG criteria applied: PVS1, PM2_SUP